The following is an entry in ClinVar:

NM_001008537.3(NEXMIF):c.2841G>C (p.Lys947Asn)

Gene: NEXMIF (neurite extension and migration factor; minus strand). Cytogenetic location: Xq13.3.
Variant type: single nucleotide variant.
Coding change: c.2841G>C on transcript NM_001008537.3 (MANE Select); coding-DNA position 2841, G replaced by C.
Protein change: p.Lys947Asn; replaces lysine 947 with asparagine.
Molecular consequence: missense variant.
Genome position (GRCh38, 1-based): chrX:74,741,716, C>G on the plus strand (G>C on the coding strand, the complement: NEXMIF is on the minus strand). VCF-style: chrX-74741716-C-G. GRCh37 (hg19) VCF-style: chrX-73961551-C-G.
Other names: short protein forms K947N.
Identifiers: ClinVar variation 1470916 (VCV001470916.8), dbSNP rs772632995, ClinGen allele CA413667312.

ClinVar aggregate classification (germline): Uncertain significance (1 of 4 stars; one submission).

Submission:

Labcorp Genetics (formerly Invitae), Labcorp
Classification: Uncertain significance. Last evaluated: 2022-06-02. Review status: criteria provided, single submitter. Criteria: Invitae Variant Classification Sherloc (09022015). Collection method: clinical testing. Allele origin: germline.
Comment: In summary, the available evidence is currently insufficient to determine the role of this variant in disease. Therefore, it has been classified as a Variant of Uncertain Significance. Algorithms developed to predict the effect of missense changes on protein structure and function (SIFT, PolyPhen-2, Align-GVGD) all suggest that this variant is likely to be disruptive. ClinVar contains an entry for this variant (Variation ID: 1470916). This variant has not been reported in the literature in individuals affected with NEXMIF-related conditions. This variant is not present in population databases (gnomAD no frequency). This sequence change replaces lysine, which is basic and polar, with asparagine, which is neutral and polar, at codon 947 of the NEXMIF protein (p.Lys947Asn).